The following is an entry in ClinVar:

ClinVar aggregate classification (germline): Uncertain significance. Review status: criteria provided, multiple submitters, no conflicts (2 of 4 stars). 5 submissions from 5 submitters: Uncertain significance (3). 2 of the submissions do not count toward it. Last evaluated 2026-09-14.

Conditions:
Epilepsy, idiopathic generalized, susceptibility to, 18. Identifiers: MedGen C5561983, MONDO:0030434, OMIM 619521.
Sick sinus syndrome 2, autosomal dominant (SSS2). Also called: SICK SINUS SYNDROME 2; SICK SINUS SYNDROME 2 WITH OR WITHOUT CARDIAC NONCOMPACTION AND/OR ASCENDING AORTA DILATION; SINUS BRADYCARDIA SYNDROME, FAMILIAL, AUTOSOMAL DOMINANT; SINUS NODE DISEASE, FAMILIAL, AUTOSOMAL DOMINANT; ATRIAL FIBRILLATION WITH BRADYARRHYTHMIA. Identifiers: Orphanet 166282, MedGen C1834144, MONDO:0008102, OMIM 163800.
Brugada syndrome 8 (BRGDA8). Identifiers: Orphanet 130, MedGen C2751083, MONDO:0013148, OMIM 613123.
Cardiovascular phenotype. Identifiers: MedGen CN230736.

Allele frequency attached by ClinVar (database versions not stated): gnomAD exomes below 0.00001 and 0.00001; ExAC 0.00001; gnomAD 0.00001; TOPMed 0.00002.

Submissions (5):

Ambry Genetics
Classification: Uncertain significance for Cardiovascular phenotype. Last evaluated: 2026-09-14. Review status: criteria provided, single submitter. Criteria: Ambry Variant Classification Scheme 2023. Collection method: clinical testing. Allele origin: germline.
Comment: The p.A599V variant (also known as c.1796C>T), located in coding exon 6 of the HCN4 gene, results from a C to T substitution at nucleotide position 1796. The alanine at codon 599 is replaced by valine, an amino acid with similar properties. This amino acid position is highly conserved in available vertebrate species. In addition, this alteration is predicted to be deleterious by in silico analysis. Based on the available evidence, the clinical significance of this variant remains unclear.

Labcorp Genetics (formerly Invitae), Labcorp
Classification: Uncertain significance for Brugada syndrome 8. Last evaluated: 2025-07-09. Review status: criteria provided, single submitter. Criteria: Invitae Variant Classification Sherloc (09022015). Collection method: clinical testing. Allele origin: germline.
Comment: This sequence change replaces alanine, which is neutral and non-polar, with valine, which is neutral and non-polar, at codon 599 of the HCN4 protein (p.Ala599Val). This variant is present in population databases (rs775019344, gnomAD 0.003%). This variant has not been reported in the literature in individuals affected with HCN4-related conditions. ClinVar contains an entry for this variant (Variation ID: 998936). Invitae Evidence Modeling of protein sequence and biophysical properties (such as structural, functional, and spatial information, amino acid conservation, physicochemical variation, residue mobility, and thermodynamic stability) indicates that this missense variant is expected to disrupt HCN4 protein function with a positive predictive value of 95%. In summary, the available evidence is currently insufficient to determine the role of this variant in disease. Therefore, it has been classified as a Variant of Uncertain Significance.

Fulgent Genetics
Classification: Uncertain significance for Sick sinus syndrome 2, autosomal dominant; Brugada syndrome 8; Epilepsy, idiopathic generalized, susceptibility to, 18. Last evaluated: 2021-08-10. Review status: criteria provided, single submitter. Criteria: ACMG Guidelines, 2015. Collection method: clinical testing. Allele origin: unknown.

Clinical Genetics, Academic Medical Center
Classification: Uncertain significance. Review status: no assertion criteria provided. Collection method: clinical testing. Allele origin: germline. Affected: yes. Study: VKGL Data-share Consensus. Not counted in ClinVar's aggregate classification.

Diagnostic Laboratory, Department of Genetics, University Medical Center Groningen
Classification: Uncertain significance. Review status: no assertion criteria provided. Collection method: clinical testing. Allele origin: germline. Affected: yes. Study: VKGL Data-share Consensus. Not counted in ClinVar's aggregate classification.

NM_005477.3(HCN4):c.1796C>T (p.Ala599Val)

Gene: HCN4 (hyperpolarization activated cyclic nucleotide gated potassium channel 4; minus strand). Cytogenetic location: 15q24.1.
Variant type: single nucleotide variant.
Coding change: c.1796C>T on transcript NM_005477.3 (MANE Select); coding-DNA position 1796, C replaced by T.
Protein change: p.Ala599Val; replaces alanine 599 with valine.
Molecular consequence: missense variant.
Genome position (GRCh38, 1-based): chr15:73,325,137, G>A on the plus strand (C>T on the coding strand, the complement: HCN4 is on the minus strand). VCF-style: chr15-73325137-G-A. GRCh37 (hg19) VCF-style: chr15-73617478-G-A.
Other names: c.1796C>T (NM_005477.2); short protein forms A599V.
Identifiers: ClinVar variation 998936 (VCV000998936.13), dbSNP rs775019344, ClinGen allele CA7649184.